The following is an entry in ClinVar:

ClinVar aggregate classification (germline): Pathogenic. Review status: criteria provided, multiple submitters, no conflicts (2 of 4 stars). 2 submissions from 2 submitters: Pathogenic (2). Last evaluated 2023-05-24.

Conditions:
3-Methylglutaconic aciduria type 2 (BTHS). Also called: CARDIOSKELETAL MYOPATHY WITH NEUTROPENIA AND ABNORMAL MITOCHONDRIA; Barth syndrome. Identifiers: Orphanet 111, MedGen C0574083, MONDO:0010543, OMIM 302060.

Submissions (2):

Labcorp Genetics (formerly Invitae), Labcorp
Classification: Pathogenic for 3-Methylglutaconic aciduria type 2. Last evaluated: 2023-05-24. Review status: criteria provided, single submitter. Criteria: Invitae Variant Classification Sherloc (09022015). Collection method: clinical testing. Allele origin: germline.
Comment: ClinVar contains an entry for this variant (Variation ID: 202093). This premature translational stop signal has been observed in individual(s) with Barth syndrome (PMID: 26845103). This variant is not present in population databases (gnomAD no frequency). This sequence change creates a premature translational stop signal (p.Trp194*) in the TAZ gene. It is expected to result in an absent or disrupted protein product. Loss-of-function variants in TAZ are known to be pathogenic (PMID: 16427346, 22382802, 23409742). Algorithms developed to predict the effect of sequence changes on RNA splicing suggest that this variant may create or strengthen a splice site. For these reasons, this variant has been classified as Pathogenic.

GeneDx
Classification: Pathogenic. Last evaluated: 2012-05-31. Review status: criteria provided, single submitter. Criteria: GeneDx Variant Classification (06012015). Collection method: clinical testing. Allele origin: germline. Affected: yes.
Comment: p.Trp194Stop (TGG>TGA): c.582 G>A in exon 7 of the TAZ gene (NM_000116.3). The W194X nonsense mutation in the TAZ gene is predicted to cause loss of normal protein function either through premature protein truncation or nonsense-mediated mRNA decay. Mutations in the TAZ gene have been associated with Barth syndrome, 3-methylglutaconic aciduria type II, and TAZ--related dilated cardiomyopathy (Johnston et al., 1997; Wortmann et al., 2010). Although this mutation has not been reported previously to our knowledge, it is consistent with a diagnosis of a TAZ-related disorder. The variant is found in MGA-MITOP panel(s).

Literature cited by the submitters: PubMed 26845103 (cited by Labcorp Genetics (formerly Invitae), Labcorp); PubMed 16427346 (cited by Labcorp Genetics (formerly Invitae), Labcorp); PubMed 22382802 (cited by Labcorp Genetics (formerly Invitae), Labcorp); PubMed 23409742 (cited by Labcorp Genetics (formerly Invitae), Labcorp).

NM_000116.5(TAFAZZIN):c.582G>A (p.Trp194Ter)

Gene: TAFAZZIN (tafazzin, phospholipid-lysophospholipid transacylase; plus strand). Cytogenetic location: Xq28.
Variant type: single nucleotide variant.
Coding change: c.582G>A on transcript NM_000116.5 (MANE Select); coding-DNA position 582, G replaced by A.
Protein change: p.Trp194Ter; replaces tryptophan 194 with a stop codon.
Molecular consequence: nonsense. On other transcripts: non-coding transcript variant (1), intron variant (3).
Genome position (GRCh38, 1-based): chrX:154,419,745, G>A. VCF-style: chrX-154419745-G-A. GRCh37 (hg19) VCF-style: chrX-153648084-G-A.
Other names: p.W194*:TGG>TGA; c.492G>A, p.Trp164Ter (NM_181311.4); c.595+122G>A (NM_001303465.2); c.541+122G>A (NM_181312.4); c.451+122G>A (NM_181313.4); short protein forms W194*, W164*.
Identifiers: ClinVar variation 202093 (VCV000202093.5), dbSNP rs794729167, ClinGen allele CA308801.